The following is an entry in ClinVar:

NM_004183.4(BEST1):c.326T>C (p.Leu109Pro)

Gene: BEST1 (bestrophin 1; plus strand). Cytogenetic location: 11q12.3.
Variant type: single nucleotide variant.
Coding change: c.326T>C on transcript NM_004183.4 (MANE Select); coding-DNA position 326, T replaced by C.
Protein change: p.Leu109Pro; replaces leucine 109 with proline.
Molecular consequence: missense variant. On other transcripts: non-coding transcript variant (1).
Genome position (GRCh38, 1-based): chr11:61,955,796, T>C. VCF-style: chr11-61955796-T-C. GRCh37 (hg19) VCF-style: chr11-61723268-T-C.
Other names: c.146T>C, p.Leu49Pro (NM_001139443.3, NM_001300786.2, NM_001300787.2); c.8T>C, p.Leu3Pro (NM_001363591.3); c.326T>C, p.Leu109Pro (NM_001363592.2); c.-850T>C (NM_001363593.3); short protein forms L109P, L3P, L49P.
Identifiers: ClinVar variation 1041573 (VCV001041573.8), dbSNP rs1941260986, ClinGen allele CA380834385.

ClinVar aggregate classification (germline): Uncertain significance (1 of 4 stars; one submission).

Submission:

Labcorp Genetics (formerly Invitae), Labcorp
Classification: Uncertain significance. Last evaluated: 2020-03-17. Review status: criteria provided, single submitter. Criteria: Invitae Variant Classification Sherloc (09022015). Collection method: clinical testing. Allele origin: germline.
Comment: This sequence change replaces leucine with proline at codon 109 of the BEST1 protein (p.Leu109Pro). The leucine residue is moderately conserved and there is a moderate physicochemical difference between leucine and proline. This variant is not present in population databases (ExAC no frequency). This variant has not been reported in the literature in individuals with BEST1-related conditions. Algorithms developed to predict the effect of missense changes on protein structure and function are either unavailable or do not agree on the potential impact of this missense change (SIFT: "Deleterious"; PolyPhen-2: "Possibly Damaging"; Align-GVGD: "Class C0"). In summary, the available evidence is currently insufficient to determine the role of this variant in disease. Therefore, it has been classified as a Variant of Uncertain Significance.